The following is an entry in ClinVar:

ClinVar aggregate classification (germline): Uncertain significance (1 of 4 stars; one submission).

Conditions:
Familial thoracic aortic aneurysm and aortic dissection (TAAD). Also called: Thoracic aortic aneurysms and dissections. Identifiers: Orphanet 91387, MedGen C4707243, MONDO:0019625.

gnomAD v4.1: 4 of 1,613,780 alleles (0.00025%); highest among the groups gnomAD compares: Non-Finnish European, 0.00025%; no homozygotes.

Submission:

Ambry Genetics
Classification: Uncertain significance for Familial thoracic aortic aneurysm and aortic dissection. Last evaluated: 2024-09-04. Review status: criteria provided, single submitter. Criteria: Ambry Variant Classification Scheme 2023. Collection method: clinical testing. Allele origin: germline.
Comment: The p.R1433L variant (also known as c.4298G>T), located in coding exon 33 of the FBN2 gene, results from a G to T substitution at nucleotide position 4298. The arginine at codon 1433 is replaced by leucine, an amino acid with dissimilar properties. This amino acid position is well conserved in available vertebrate species. In addition, this alteration is predicted to be deleterious by in silico analysis. Based on the available evidence, the clinical significance of this variant remains unclear.

NM_001999.4(FBN2):c.4298G>T (p.Arg1433Leu)

Gene: FBN2 (fibrillin 2; minus strand). Cytogenetic location: 5q23.3.
Variant type: single nucleotide variant.
Coding change: c.4298G>T on transcript NM_001999.4 (MANE Select); coding-DNA position 4298, G replaced by T.
Protein change: p.Arg1433Leu; replaces arginine 1433 with leucine.
Molecular consequence: missense variant.
Genome position (GRCh38, 1-based): chr5:128,330,620, C>A on the plus strand (G>T on the coding strand, the complement: FBN2 is on the minus strand). VCF-style: chr5-128330620-C-A. GRCh37 (hg19) VCF-style: chr5-127666312-C-A.
Other names: short protein forms R1433L.
Identifiers: ClinVar variation 3513589 (VCV003513589.1).